The following is an entry in ClinVar:

ClinVar aggregate classification (germline): Pathogenic (1 of 4 stars; one submission).

Submission:

Labcorp Genetics (formerly Invitae), Labcorp
Classification: Pathogenic. Last evaluated: 2024-10-16. Review status: criteria provided, single submitter. Criteria: Invitae Variant Classification Sherloc (09022015). Collection method: clinical testing. Allele origin: germline.
Comment: This sequence change affects an acceptor splice site in intron 5 of the TSPAN12 gene. It is expected to disrupt RNA splicing. Variants that disrupt the donor or acceptor splice site typically lead to a loss of protein function (PMID: 16199547), and loss-of-function variants in TSPAN12 are known to be pathogenic (PMID: 20159112, 21334594). This variant is not present in population databases (gnomAD no frequency). Disruption of this splice site has been observed in individual(s) with familial exudative vitreoretinopathy (PMID: 34860240; internal data). ClinVar contains an entry for this variant (Variation ID: 1489431). Algorithms developed to predict the effect of sequence changes on RNA splicing suggest that this variant may disrupt the consensus splice site. For these reasons, this variant has been classified as Pathogenic.

Literature cited by the submitters: PubMed 16199547; PubMed 20159112; PubMed 21334594; PubMed 34860240.

NM_012338.4(TSPAN12):c.361-2A>G

Gene: TSPAN12 (tetraspanin 12; minus strand). Cytogenetic location: 7q31.31.
Variant type: single nucleotide variant.
Coding change: c.361-2A>G on transcript NM_012338.4 (MANE Select); the canonical splice acceptor site of the intron before coding-DNA position 361, A replaced by G.
Molecular consequence: splice acceptor variant.
Genome position (GRCh38, 1-based): chr7:120,810,572, T>C on the plus strand (A>G on the coding strand, the complement: TSPAN12 is on the minus strand). VCF-style: chr7-120810572-T-C. GRCh37 (hg19) VCF-style: chr7-120450626-T-C.
Identifiers: ClinVar variation 1489431 (VCV001489431.7), dbSNP rs2116363773, ClinGen allele CA369137743.